The following is an entry in ClinVar:

ClinVar aggregate classification (germline): Uncertain significance (1 of 4 stars; one submission).

Submission:

Labcorp Genetics (formerly Invitae), Labcorp
Classification: Uncertain significance. Last evaluated: 2025-07-18. Review status: criteria provided, single submitter. Criteria: Invitae Variant Classification Sherloc (09022015). Collection method: clinical testing. Allele origin: germline.
Comment: This sequence change creates a premature translational stop signal (p.Trp890*) in the CDH2 gene. While this is not anticipated to result in nonsense mediated decay, it is expected to disrupt the last 16 amino acid(s) of the CDH2 protein. This variant is not present in population databases (gnomAD no frequency). This variant has not been reported in the literature in individuals affected with CDH2-related conditions. Experimental studies and prediction algorithms are not available or were not evaluated, and the functional significance of this variant is currently unknown. In summary, the available evidence is currently insufficient to determine the role of this variant in disease. Therefore, it has been classified as a Variant of Uncertain Significance.

NM_001792.5(CDH2):c.2670G>A (p.Trp890Ter)

Genes: CDH2 (cadherin 2; minus strand), CDH2-AS1 (CDH2 antisense RNA 1; plus strand). Cytogenetic location: 18q12.1.
Variant type: single nucleotide variant.
Coding change: c.2670G>A on transcript NM_001792.5 (MANE Select); coding-DNA position 2670, G replaced by A.
Protein change: p.Trp890Ter; replaces tryptophan 890 with a stop codon.
Molecular consequence: nonsense.
Genome position (GRCh38, 1-based): chr18:27,952,204, C>T on the plus strand (G>A on the coding strand, the complement: CDH2 is on the minus strand). VCF-style: chr18-27952204-C-T. GRCh37 (hg19) VCF-style: chr18-25532168-C-T.
Other names: c.2577G>A, p.Trp859Ter (NM_001308176.2); short protein forms W859*, W890*.
Identifiers: ClinVar variation 4723451 (VCV004723451.1).